The following is an entry in ClinVar:

ClinVar aggregate classification (germline): Uncertain significance. Review status: criteria provided, multiple submitters, no conflicts (2 of 4 stars). 3 submissions from 3 submitters: Uncertain significance (3). Last evaluated 2023-11-28.

Conditions:
Usher syndrome type 3B. Also called: USHER SYNDROME, TYPE IIIB. Identifiers: MedGen C3281066, MONDO:0013788, OMIM 614504.

Submissions (3):

Revvity Omics, Revvity
Classification: Uncertain significance. Last evaluated: 2023-11-28. Review status: criteria provided, single submitter. Criteria: ACMG Guidelines, 2015. Collection method: clinical testing. Allele origin: germline.

Labcorp Genetics (formerly Invitae), Labcorp
Classification: Uncertain significance for Usher syndrome type 3B. Last evaluated: 2022-02-10. Review status: criteria provided, single submitter. Criteria: Invitae Variant Classification Sherloc (09022015). Collection method: clinical testing. Allele origin: germline.
Comment: Algorithms developed to predict the effect of missense changes on protein structure and function are either unavailable or do not agree on the potential impact of this missense change (SIFT: "Deleterious"; PolyPhen-2: "Benign"; Align-GVGD: "Class C0"). In summary, the available evidence is currently insufficient to determine the role of this variant in disease. Therefore, it has been classified as a Variant of Uncertain Significance. ClinVar contains an entry for this variant (Variation ID: 850005). This sequence change replaces phenylalanine, which is neutral and non-polar, with cysteine, which is neutral and slightly polar, at codon 182 of the HARS protein (p.Phe182Cys). This variant is not present in population databases (gnomAD no frequency). This variant has not been reported in the literature in individuals affected with HARS-related conditions.

GeneDx
Classification: Uncertain significance. Last evaluated: 2019-05-03. Review status: criteria provided, single submitter. Criteria: GeneDx Variant Classification Process June 2021. Collection method: clinical testing. Allele origin: germline. Affected: yes.
Comment: Not observed in large population cohorts (Lek et al., 2016); In silico analysis, which includes protein predictors and evolutionary conservation, supports a deleterious effect; Has not been previously published as pathogenic or benign to our knowledge

NM_002109.6(HARS1):c.545T>G (p.Phe182Cys)

Gene: HARS1 (histidyl-tRNA synthetase 1; minus strand). Cytogenetic location: 5q31.3.
Variant type: single nucleotide variant.
Coding change: c.545T>G on transcript NM_002109.6 (MANE Select); coding-DNA position 545, T replaced by G.
Protein change: p.Phe182Cys; replaces phenylalanine 182 with cysteine.
Molecular consequence: missense variant.
Genome position (GRCh38, 1-based): chr5:140,677,993, A>C on the plus strand (T>G on the coding strand, the complement: HARS1 is on the minus strand). VCF-style: chr5-140677993-A-C. GRCh37 (hg19) VCF-style: chr5-140057578-A-C.
Other names: c.425T>G, p.Phe142Cys (NM_001258040.3); c.485T>G, p.Phe162Cys (NM_001258041.3); c.365T>G, p.Phe122Cys (NM_001258042.3); c.323T>G, p.Phe108Cys (NM_001289092.2); c.203T>G, p.Phe68Cys (NM_001289093.2); c.458T>G, p.Phe153Cys (NM_001289094.2); short protein forms F108C, F153C, F162C, F142C, F122C, F182C, F68C.
Identifiers: ClinVar variation 850005 (VCV000850005.12), dbSNP rs1758491184, ClinGen allele CA361255918.